The following is an entry in ClinVar:

ClinVar aggregate classification (germline): Uncertain significance. Review status: criteria provided, multiple submitters, no conflicts (2 of 4 stars). 2 submissions from 2 submitters: Uncertain significance (2). Last evaluated 2022-10-30.

Conditions:
Blau syndrome (BLAUS). Also called: JABS SYNDROME; ARTHROCUTANEOUVEAL GRANULOMATOSIS; GRANULOMATOSIS, FAMILIAL JUVENILE SYSTEMIC; GRANULOMATOSIS, FAMILIAL, BLAU TYPE; GRANULOMATOUS INFLAMMATORY ARTHRITIS, DERMATITIS, AND UVEITIS, FAMILIAL. Identifiers: Orphanet 90340, MedGen C5201146, MONDO:0008523, OMIM 186580.
Regional enteritis. Also called: Enteritis, Granulomatous. Identifiers: MedGen C0678202, MeSH D003424.

Allele frequency attached by ClinVar (database versions not stated): TOPMed below 0.00001; ExAC 0.00001; gnomAD 0.00001.
gnomAD v4.1: 10 of 1,614,064 alleles (0.00062%); highest among the groups gnomAD compares: Non-Finnish European, 0.00085%; no homozygotes.

Submissions (2):

Labcorp Genetics (formerly Invitae), Labcorp
Classification: Uncertain significance for Regional enteritis; Blau syndrome. Last evaluated: 2022-10-30. Review status: criteria provided, single submitter. Criteria: Invitae Variant Classification Sherloc (09022015). Collection method: clinical testing. Allele origin: germline.
Comment: In summary, the available evidence is currently insufficient to determine the role of this variant in disease. Therefore, it has been classified as a Variant of Uncertain Significance. This sequence change replaces isoleucine, which is neutral and non-polar, with threonine, which is neutral and polar, at codon 883 of the NOD2 protein (p.Ile883Thr). This variant is present in population databases (rs776394582, gnomAD 0.002%). This variant has not been reported in the literature in individuals affected with NOD2-related conditions. Advanced modeling of protein sequence and biophysical properties (such as structural, functional, and spatial information, amino acid conservation, physicochemical variation, residue mobility, and thermodynamic stability) performed at Invitae indicates that this missense variant is not expected to disrupt NOD2 protein function.

ARUP Laboratories, Molecular Genetics and Genomics, ARUP Laboratories
Classification: Uncertain significance. Last evaluated: 2022-05-04. Review status: criteria provided, single submitter. Criteria: ARUP Molecular Germline Variant Investigation Process 2021. Collection method: clinical testing. Allele origin: germline.
Comment: The NOD2 c.2648T>C; p.Ile883Thr variant (rs776394582), to our knowledge, is not reported in the medical literature or gene specific databases. This variant is only observed on one allele in the Genome Aggregation Database, indicating it is not a common polymorphism. The isoleucine at codon 883 is highly conserved, but computational analyses are uncertain whether this variant is neutral or deleterious (REVEL: 0.496). Due to limited information, the clinical significance of this variant is uncertain at this time.

NM_001370466.1(NOD2):c.2567T>C (p.Ile856Thr)

Gene: NOD2 (nucleotide binding oligomerization domain containing 2; plus strand). Cytogenetic location: 16q12.1.
Variant type: single nucleotide variant.
Coding change: c.2567T>C on transcript NM_001370466.1 (MANE Select); coding-DNA position 2567, T replaced by C.
Protein change: p.Ile856Thr; replaces isoleucine 856 with threonine.
Molecular consequence: missense variant. On other transcripts: non-coding transcript variant (1).
Genome position (GRCh38, 1-based): chr16:50,719,942, T>C. VCF-style: chr16-50719942-T-C. GRCh37 (hg19) VCF-style: chr16-50753853-T-C.
Other names: c.2567T>C, p.Ile856Thr (NM_001293557.2); c.2648T>C, p.Ile883Thr (NM_022162.3); short protein forms I856T, I883T.
Identifiers: ClinVar variation 2428623 (VCV002428623.5), dbSNP rs776394582, ClinGen allele CA8051910.
Genomic context (GRCh38, chr16:50,719,942, plus strand): 5'-CCTGCCGCTGTGTTCTCTCAGCCTCCTCTGTCTTCCCTTCCAGGCTGGGGAATAACTACA[T>C]CACTGCCGCGGGAGCCCAAGTGCTGGCCGAGGGGCTCCGAGGCAACACCTCCTTGCAGTT-3'
Protein context (NP_001357395.1, residues 846-866): FLALRLGNNY[Ile856Thr]TAAGAQVLAE